The following is an entry in ClinVar:

ClinVar aggregate classification (germline): Uncertain significance. Review status: criteria provided, multiple submitters, no conflicts (2 of 4 stars). 6 submissions from 6 submitters: Uncertain significance (6). Last evaluated 2026-02-18.

Conditions:
Inborn genetic diseases. Identifiers: MedGen C0950123, MeSH D030342.
Autosomal recessive nonsyndromic hearing loss 102. Also called: Deafness, autosomal recessive 102. Identifiers: Orphanet 90636, MedGen C3892050, MONDO:0014428, OMIM 615974.

Allele frequency attached by ClinVar (database versions not stated): gnomAD 0.00041; TOPMed 0.00036; ESP Exome Variant Server 0.00100; gnomAD exomes 0.00038; ExAC 0.00040.
gnomAD v4.1: 1,126 of 1,613,892 alleles (0.07%); highest among the groups gnomAD compares: Non-Finnish European, 0.092%; 1 homozygote.

Submissions (6):

GeneDx
Classification: Uncertain significance. Last evaluated: 2026-02-18. Review status: criteria provided, single submitter. Criteria: GeneDx Variant Classification Process June 2021. Collection method: clinical testing. Allele origin: germline.
Comment: In silico analysis suggests that this missense variant does not alter protein structure/function; Has not been previously published as pathogenic or benign to our knowledge

Mayo Clinic Laboratories, Mayo Clinic
Classification: Uncertain significance. Last evaluated: 2025-05-13. Review status: criteria provided, single submitter. Criteria: ACMG Guidelines, 2015. Collection method: clinical testing. Allele origin: germline. Observed: 3 variant alleles.
Comment: BP4, PM2_supporting

Labcorp Genetics (formerly Invitae), Labcorp
Classification: Uncertain significance. Last evaluated: 2025-01-23. Review status: criteria provided, single submitter. Criteria: Invitae Variant Classification Sherloc (09022015). Collection method: clinical testing. Allele origin: germline.
Comment: This sequence change replaces threonine, which is neutral and polar, with isoleucine, which is neutral and non-polar, at codon 726 of the EPS8 protein (p.Thr726Ile). This variant is present in population databases (rs150904526, gnomAD 0.08%). This variant has not been reported in the literature in individuals affected with EPS8-related conditions. ClinVar contains an entry for this variant (Variation ID: 517643). Invitae Evidence Modeling of protein sequence and biophysical properties (such as structural, functional, and spatial information, amino acid conservation, physicochemical variation, residue mobility, and thermodynamic stability) indicates that this missense variant is not expected to disrupt EPS8 protein function with a negative predictive value of 80%. In summary, the available evidence is currently insufficient to determine the role of this variant in disease. Therefore, it has been classified as a Variant of Uncertain Significance.

Ambry Genetics
Classification: Uncertain significance for Inborn genetic diseases. Last evaluated: 2024-11-24. Review status: criteria provided, single submitter. Criteria: Ambry Variant Classification Scheme 2023. Collection method: clinical testing. Allele origin: germline.

Fulgent Genetics
Classification: Uncertain significance for Autosomal recessive nonsyndromic hearing loss 102. Last evaluated: 2022-02-09. Review status: criteria provided, single submitter. Criteria: ACMG Guidelines, 2015. Collection method: clinical testing. Allele origin: unknown.

Laboratory for Molecular Medicine, Mass General Brigham Personalized Medicine
Classification: Uncertain significance. Last evaluated: 2017-12-05. Review status: criteria provided, single submitter. Criteria: LMM Criteria. Collection method: clinical testing. Allele origin: germline. Observed: 1 variant allele.
Comment: The p.Thr726Ile variant in EPS8 has not been previously reported in individuals with hearing loss, but has been identified in 0.08% (100/126428) of European chr omosomes by the Genome Aggregation Database (gnomAD; dbSNP rs150904526). Although this variant has been seen in the general po pulation, its frequency is not high enough to rule out a pathogenic role. Comput ational prediction tools and conservation analysis do not provide strong support for or against an impact to the protein. In summary, the clinical significance of the p.Thr726Ile variant is uncertain. ACMG/AMP Criteria applied: None

NM_004447.6(EPS8):c.2177C>T (p.Thr726Ile)

Gene: EPS8 (EGFR pathway substrate 8, signaling adaptor; minus strand). Cytogenetic location: 12p12.3.
Variant type: single nucleotide variant.
Coding change: c.2177C>T on transcript NM_004447.6 (MANE Select); coding-DNA position 2177, C replaced by T.
Protein change: p.Thr726Ile; replaces threonine 726 with isoleucine.
Molecular consequence: missense variant.
Genome position (GRCh38, 1-based): chr12:15,624,275, G>A on the plus strand (C>T on the coding strand, the complement: EPS8 is on the minus strand). VCF-style: chr12-15624275-G-A. GRCh37 (hg19) VCF-style: chr12-15777209-G-A.
Other names: short protein forms T726I.
Identifiers: ClinVar variation 517643 (VCV000517643.13), dbSNP rs150904526, ClinGen allele CA6467341.